The following is an entry in ClinVar:

NM_000023.4(SGCA):c.132_135dup (p.Leu46fs)

Gene: SGCA (sarcoglycan alpha; plus strand). Cytogenetic location: 17q21.33.
Variant type: Duplication.
Coding change: c.132_135dup on transcript NM_000023.4 (MANE Select); coding-DNA positions 132 to 135, 4 bases duplicated (GTTT; older notation c.132_135dupGTTT).
Protein change: p.Leu46fs; shifts the reading frame from leucine 46.
Molecular consequence: frameshift variant. On other transcripts: non-coding transcript variant (1).
Genome position (GRCh38, 1-based): chr17:50,167,462-50,167,465, GTTT duplicated. VCF-style (leftmost placement, unchanged base first): chr17-50167461-C-CGTTT. GRCh37 (hg19) VCF-style: chr17-48244822-C-CGTTT.
Other names: c.132_135dup, p.Leu46fs (NM_001135697.3); short protein forms L46fs.
Identifiers: ClinVar variation 1431913 (VCV001431913.9), dbSNP rs2144493427, ClinGen allele CA2573154166.
Genomic context (GRCh38, chr17:50,167,461, plus strand): 5'-AGCAGACCACGCTACACCCACTTGTGGGCCGTGTCTTTGTGCACACCTTGGACCATGAGA[C>CGTTT]GTTTCTGAGCCTTCCTGAGCATGTCGGTGAGCGGCCTGACAGGCACCCAGGCGGGCGGGC-3'

ClinVar aggregate classification (germline): Pathogenic (1 of 4 stars; one submission).

Conditions:
Autosomal recessive limb-girdle muscular dystrophy type 2D (LGMDR3). Also called: MUSCULAR DYSTROPHY, LIMB-GIRDLE, AUTOSOMAL RECESSIVE 3; ADHALINOPATHY, PRIMARY; DUCHENNE-LIKE AUTOSOMAL RECESSIVE MUSCULAR DYSTROPHY, TYPE 2. Identifiers: Orphanet 62, MedGen C2936332, MONDO:0011968, OMIM 608099. Disease mechanism: Affects gamma-sarcoglycan and also disrupts the integrity of the entire sarcoglycan complex..

Submission:

Labcorp Genetics (formerly Invitae), Labcorp
Classification: Pathogenic for Autosomal recessive limb-girdle muscular dystrophy type 2D. Last evaluated: 2021-02-20. Review status: criteria provided, single submitter. Criteria: Invitae Variant Classification Sherloc (09022015). Collection method: clinical testing. Allele origin: germline.
Comment: For these reasons, this variant has been classified as Pathogenic. This variant is not present in population databases (ExAC no frequency). This sequence change creates a premature translational stop signal (p.Leu46Valfs*6) in the SGCA gene. It is expected to result in an absent or disrupted protein product. Loss-of-function variants in SGCA are known to be pathogenic (PMID: 9192266). This variant has not been reported in the literature in individuals with SGCA-related conditions.

Literature cited by the submitters: PubMed 9192266.